The following is an entry in ClinVar:

ClinVar aggregate classification (germline): Uncertain significance (1 of 4 stars; one submission).

Submission:

Ambry Genetics
Classification: Uncertain significance. Last evaluated: 2023-11-17. Review status: criteria provided, single submitter. Criteria: Ambry Variant Classification Scheme 2023. Collection method: clinical testing. Allele origin: germline.
Comment: The p.P1290T variant (also known as c.3868C>A), located in coding exon 4 of the ALPK2 gene, results from a C to A substitution at nucleotide position 3868. The proline at codon 1290 is replaced by threonine, an amino acid with highly similar properties. This amino acid position is conserved. In addition, this alteration is predicted to be tolerated by in silico analysis. Since supporting evidence is limited at this time, the clinical significance of this alteration remains unclear.

NM_052947.4(ALPK2):c.3868C>A (p.Pro1290Thr)

Genes: ALPK2 (alpha kinase 2; minus strand), LOC126862764 (BRD4-independent group 4 enhancer GRCh37_chr18:56202574-56203773; plus strand). Cytogenetic location: 18q21.31.
Variant type: single nucleotide variant.
Coding change: c.3868C>A on transcript NM_052947.4 (MANE Select); coding-DNA position 3868, C replaced by A.
Protein change: p.Pro1290Thr; replaces proline 1290 with threonine.
Molecular consequence: missense variant.
Genome position (GRCh38, 1-based): chr18:58,536,319, G>T on the plus strand (C>A on the coding strand, the complement: ALPK2 is on the minus strand). VCF-style: chr18-58536319-G-T. GRCh37 (hg19) VCF-style: chr18-56203551-G-T.
Other names: short protein forms P1290T.
Identifiers: ClinVar variation 3228709 (VCV003228709.1), dbSNP rs757691850, ClinGen allele CA402565330.